The following is an entry in ClinVar:

ClinVar aggregate classification (germline): Uncertain significance (1 of 4 stars; one submission).

Conditions:
Hereditary cancer-predisposing syndrome. Also called: Tumor predisposition; Hereditary neoplastic syndrome; Hereditary Cancer Syndrome; Neoplastic Syndromes, Hereditary. Identifiers: Orphanet 140162, MedGen C0027672, MeSH D009386, MONDO:0015356.

Submission:

Ambry Genetics
Classification: Uncertain significance for Hereditary cancer-predisposing syndrome. Last evaluated: 2025-06-06. Review status: criteria provided, single submitter. Criteria: Ambry Variant Classification Scheme 2023. Collection method: clinical testing. Allele origin: germline.
Comment: The p.A870D variant (also known as c.2609C>A), located in coding exon 22 of the TSC2 gene, results from a C to A substitution at nucleotide position 2609. The alanine at codon 870 is replaced by aspartic acid, an amino acid with dissimilar properties. This amino acid position is highly conserved in available vertebrate species. In addition, this alteration is predicted to be deleterious by in silico analysis. Based on the available evidence, the clinical significance of this variant remains unclear.

NM_000548.5(TSC2):c.2609C>A (p.Ala870Asp)

Gene: TSC2 (TSC complex subunit 2; plus strand). Cytogenetic location: 16p13.3.
Variant type: single nucleotide variant.
Coding change: c.2609C>A on transcript NM_000548.5 (MANE Select); coding-DNA position 2609, C replaced by A.
Protein change: p.Ala870Asp; replaces alanine 870 with aspartic acid.
Molecular consequence: missense variant. On other transcripts: non-coding transcript variant (5).
Genome position (GRCh38, 1-based): chr16:2,075,862, C>A. VCF-style: chr16-2075862-C-A. GRCh37 (hg19) VCF-style: chr16-2125863-C-A.
Other names: c.2609C>A, p.Ala870Asp (NM_001077183.3, NM_001114382.3, NM_001363528.2 and 6 more transcripts); c.2498C>A, p.Ala833Asp (NM_001318827.2, NM_001406670.1, NM_001406678.1); c.2462C>A, p.Ala821Asp (NM_001318829.2, NM_001406675.1, NM_001406676.1 and 1 more transcripts); c.2009C>A, p.Ala670Asp (NM_001318831.2, NM_001406680.1, NM_001406682.1 and 6 more transcripts); c.2642C>A, p.Ala881Asp (NM_001318832.2); c.2699C>A, p.Ala900Asp (NM_001406667.1, NM_001406668.1); c.2597C>A, p.Ala866Asp (NM_001406671.1, NM_001406673.1); c.1265C>A, p.Ala422Asp (NM_001406693.1, NM_001406694.1, NM_001406695.1 and 6 more transcripts); and 3 more; short protein forms A422D, A833D, A866D, A851D, A881D, A900D, A336D, A670D.
Identifiers: ClinVar variation 3974682 (VCV003974682.1).